The following is an entry in ClinVar:

Conditions:
Arteriohepatic dysplasia. Also called: Alagille Syndrome. Identifiers: Orphanet 52, MedGen C0085280, MeSH D016738, MONDO:0007318.

Submission:

Gilbert/Spinner Lab, Children's Hospital of Philadelphia
No classification provided (evidence only). Condition: Alagille syndrome. Review status: no classification provided. Collection method: research. Allele origin: not applicable. Functional consequence: functionally_abnormal.
ClinVar note: "not provided" was previously submitted as the classification for the variant. However, the classification appeared to be based only on an observation of functional data so it was converted to no classification on 2025-07-30.

NM_000214.3(JAG1):c.143A>C (p.Glu48Ala)

Gene: JAG1 (jagged canonical Notch ligand 1; minus strand). Cytogenetic location: 20p12.2.
Variant type: single nucleotide variant.
Coding change: c.143A>C on transcript NM_000214.3 (MANE Select); coding-DNA position 143, A replaced by C.
Protein change: p.Glu48Ala; replaces glutamic acid 48 with alanine.
Molecular consequence: missense variant.
Genome position (GRCh38, 1-based): chr20:10,672,945, T>G on the plus strand (A>C on the coding strand, the complement: JAG1 is on the minus strand). VCF-style: chr20-10672945-T-G. GRCh37 (hg19) VCF-style: chr20-10653593-T-G.
Other names: short protein forms E48A.
Identifiers: ClinVar variation 3573418 (VCV003573418.2).